The following is an entry in ClinVar:

ClinVar aggregate classification (germline): Uncertain significance (1 of 4 stars; one submission).

Conditions:
Dilated cardiomyopathy 1KK (CMD1KK). Identifiers: Orphanet 154, Orphanet 75249, MedGen C3714995, MONDO:0014100, OMIM 615248.

gnomAD v4.1: 1 of 1,612,296 alleles (0.000062%); highest among the groups gnomAD compares: South Asian, 0.0011%; no homozygotes.

Submission:

Labcorp Genetics (formerly Invitae), Labcorp
Classification: Uncertain significance for Dilated cardiomyopathy 1KK. Last evaluated: 2024-10-15. Review status: criteria provided, single submitter. Criteria: Invitae Variant Classification Sherloc (09022015). Collection method: clinical testing. Allele origin: germline.
Comment: This sequence change replaces arginine, which is basic and polar, with lysine, which is basic and polar, at codon 533 of the MYPN protein (p.Arg533Lys). This variant is not present in population databases (gnomAD no frequency). This variant has not been reported in the literature in individuals affected with MYPN-related conditions. An algorithm developed to predict the effect of missense changes on protein structure and function (PolyPhen-2) suggests that this variant is likely to be tolerated. In summary, the available evidence is currently insufficient to determine the role of this variant in disease. Therefore, it has been classified as a Variant of Uncertain Significance.

NM_032578.4(MYPN):c.1598G>A (p.Arg533Lys)

Gene: MYPN (myopalladin; plus strand). Cytogenetic location: 10q21.3.
Variant type: single nucleotide variant.
Coding change: c.1598G>A on transcript NM_032578.4 (MANE Select); coding-DNA position 1598, G replaced by A.
Protein change: p.Arg533Lys; replaces arginine 533 with lysine.
Molecular consequence: missense variant. On other transcripts: non-coding transcript variant (2).
Genome position (GRCh38, 1-based): chr10:68,165,816, G>A. VCF-style: chr10-68165816-G-A. GRCh37 (hg19) VCF-style: chr10-69925573-G-A.
Other names: c.1598G>A, p.Arg533Lys (NM_001256267.2); c.716G>A, p.Arg239Lys (NM_001256268.2); short protein forms R239K, R533K.
Identifiers: ClinVar variation 3654684 (VCV003654684.2).